The following is an entry in ClinVar:

ClinVar aggregate classification (germline): Uncertain significance (1 of 4 stars; one submission).

Conditions:
Dystonia 12 (DYT12). Also called: DYT-ATP1A3; Rapid-Onset Dystonia-Parkinsonism (RDP). Identifiers: Orphanet 71517, MedGen C1868681, MONDO:0007496, OMIM 128235.

Submission:

Labcorp Genetics (formerly Invitae), Labcorp
Classification: Uncertain significance for Dystonia 12. Last evaluated: 2025-07-06. Review status: criteria provided, single submitter. Criteria: Invitae Variant Classification Sherloc (09022015). Collection method: clinical testing. Allele origin: germline.
Comment: This sequence change replaces glycine, which is neutral and non-polar, with arginine, which is basic and polar, at codon 699 of the ATP1A3 protein (p.Gly699Arg). This variant is present in population databases (rs145145558, gnomAD 0.006%). This variant has not been reported in the literature in individuals affected with ATP1A3-related conditions. An algorithm developed to predict the effect of missense changes on protein structure and function (PolyPhen-2) suggests that this variant is likely to be disruptive. In summary, the available evidence is currently insufficient to determine the role of this variant in disease. Therefore, it has been classified as a Variant of Uncertain Significance.

NM_152296.5(ATP1A3):c.2095G>C (p.Gly699Arg)

Gene: ATP1A3 (ATPase Na+/K+ transporting subunit alpha 3; minus strand). Cytogenetic location: 19q13.2.
Variant type: single nucleotide variant.
Coding change: c.2095G>C on transcript NM_152296.5 (MANE Select); coding-DNA position 2095, G replaced by C.
Protein change: p.Gly699Arg; replaces glycine 699 with arginine.
Molecular consequence: missense variant.
Genome position (GRCh38, 1-based): chr19:41,975,797, C>G on the plus strand (G>C on the coding strand, the complement: ATP1A3 is on the minus strand). VCF-style: chr19-41975797-C-G. GRCh37 (hg19) VCF-style: chr19-42479949-C-G.
Other names: c.2128G>C, p.Gly710Arg (NM_001256213.2); c.2134G>C, p.Gly712Arg (NM_001256214.2); short protein forms G710R, G699R, G712R.
Identifiers: ClinVar variation 4765311 (VCV004765311.1).